The following is an entry in ClinVar:

NM_017807.4(OSGEP):c.841G>A (p.Gly281Arg)

Gene: OSGEP (O-sialoglycoprotein endopeptidase; minus strand). Cytogenetic location: 14q11.2.
Variant type: single nucleotide variant.
Coding change: c.841G>A on transcript NM_017807.4 (MANE Select); coding-DNA position 841, G replaced by A.
Protein change: p.Gly281Arg; replaces glycine 281 with arginine.
Molecular consequence: missense variant.
Genome position (GRCh38, 1-based): chr14:20,447,643, C>T on the plus strand (G>A on the coding strand, the complement: OSGEP is on the minus strand). VCF-style: chr14-20447643-C-T. GRCh37 (hg19) VCF-style: chr14-20915802-C-T.
Other names: short protein forms G281R.
Identifiers: ClinVar variation 1033447 (VCV001033447.3), dbSNP rs1880982246, ClinGen allele CA389116977.

ClinVar aggregate classification (germline): Uncertain significance. Review status: criteria provided, multiple submitters, no conflicts (2 of 4 stars). 2 submissions from 2 submitters: Uncertain significance (2). Last evaluated 2021-06-15.

Conditions:
Inborn genetic diseases. Identifiers: MedGen C0950123, MeSH D030342.
Galloway-Mowat syndrome 3. Identifiers: MedGen C4540266, MONDO:0033007, OMIM 617729.

Allele frequency attached by ClinVar (database versions not stated): TOPMed 0.00001.
gnomAD v4.1: 1 of 1,614,102 alleles (0.000062%); no homozygotes.

Submissions (2):

Ambry Genetics
Classification: Uncertain significance for Inborn genetic diseases. Last evaluated: 2021-06-15. Review status: criteria provided, single submitter. Criteria: Ambry Variant Classification Scheme 2023. Collection method: clinical testing. Allele origin: germline.

Baylor Genetics
Classification: Uncertain significance for Galloway-Mowat syndrome 3. Last evaluated: 2018-05-24. Review status: criteria provided, single submitter. Criteria: ACMG Guidelines, 2015. Collection method: clinical testing. Allele origin: maternal. Affected: yes.
Comment: This variant was determined to be of uncertain significance according to ACMG Guidelines, 2015 [PMID:25741868].